The following is an entry in ClinVar:

ClinVar aggregate classification (germline): Uncertain significance. Review status: criteria provided, multiple submitters, no conflicts (2 of 4 stars). 2 submissions from 2 submitters: Uncertain significance (2). Last evaluated 2025-02-25.

Conditions:
Retinoblastoma (RB1). Also called: RETINOBLASTOMA, SOMATIC. Identifiers: Orphanet 790, MedGen C0035335, MeSH D012175, MONDO:0008380, OMIM 180200, HP:0009919. Disease mechanism: loss of function. Inheritance: Both sporadic and heritable forms are tested..

gnomAD v4.1: 1 of 1,612,260 alleles (0.000062%); highest among the groups gnomAD compares: African/African-American, 0.0013%; no homozygotes.

Submissions (2):

Labcorp Genetics (formerly Invitae), Labcorp
Classification: Uncertain significance for Retinoblastoma. Last evaluated: 2025-02-25. Review status: criteria provided, single submitter. Criteria: Invitae Variant Classification Sherloc (09022015). Collection method: clinical testing. Allele origin: germline.
Comment: This sequence change replaces proline, which is neutral and non-polar, with arginine, which is basic and polar, at codon 238 of the RB1 protein (p.Pro238Arg). This variant is not present in population databases (gnomAD no frequency). This variant has not been reported in the literature in individuals affected with RB1-related conditions. ClinVar contains an entry for this variant (Variation ID: 3387559). Invitae Evidence Modeling of protein sequence and biophysical properties (such as structural, functional, and spatial information, amino acid conservation, physicochemical variation, residue mobility, and thermodynamic stability) indicates that this missense variant is not expected to disrupt RB1 protein function with a negative predictive value of 80%. In summary, the available evidence is currently insufficient to determine the role of this variant in disease. Therefore, it has been classified as a Variant of Uncertain Significance.

All of Us Research Program, National Institutes of Health
Classification: Uncertain significance for Retinoblastoma. Last evaluated: 2024-05-30. Review status: criteria provided, single submitter. Criteria: ACMG Guidelines, 2015. Collection method: clinical testing. Allele origin: germline. Inheritance: Autosomal dominant inheritance. Observed: 1 variant allele, 1 heterozygote.
Comment: This missense variant replaces proline with arginine at codon 238 of the RB1 protein. Computational prediction suggests that this variant may have deleterious impact on protein structure and function (internally defined REVEL score threshold >= 0.7, PMID: 27666373). To our knowledge, functional studies have not been reported for this variant. This variant has not been reported in individuals affected with RB1-related disorders in the literature. This variant has not been identified in the general population by the Genome Aggregation Database (gnomAD). The available evidence is insufficient to determine the role of this variant in disease conclusively. Therefore, this variant is classified as a Variant of Uncertain Significance.

This study involves interpretation of variants in research participants for the purpose of population health screening. Participant phenotype was not available at the time of variant classification. Additional details can be found in publication PMID: 35346344, PMCID: PMC8962531

NM_000321.3(RB1):c.713C>G (p.Pro238Arg)

Gene: RB1 (RB transcriptional corepressor 1; plus strand). Cytogenetic location: 13q14.2.
Variant type: single nucleotide variant.
Coding change: c.713C>G on transcript NM_000321.3 (MANE Select); coding-DNA position 713, C replaced by G.
Protein change: p.Pro238Arg; replaces proline 238 with arginine.
Molecular consequence: missense variant.
Genome position (GRCh38, 1-based): chr13:48,360,122, C>G. VCF-style: chr13-48360122-C-G. GRCh37 (hg19) VCF-style: chr13-48934258-C-G.
Other names: c.713C>G, p.Pro238Arg (NM_001407165.1, NM_001407166.1); short protein forms P238R.
Identifiers: ClinVar variation 3387559 (VCV003387559.2).